The following is an entry in ClinVar:

NM_012418.4(FSCN2):c.1281C>A (p.Asp427Glu)

Gene: FSCN2 (fascin actin-bundling protein 2, retinal; plus strand). Cytogenetic location: 17q25.3.
Variant type: single nucleotide variant.
Coding change: c.1281C>A on transcript NM_012418.4 (MANE Select); coding-DNA position 1281, C replaced by A.
Protein change: p.Asp427Glu; replaces aspartic acid 427 with glutamic acid.
Molecular consequence: missense variant.
Genome position (GRCh38, 1-based): chr17:81,536,882, C>A. VCF-style: chr17-81536882-C-A. GRCh37 (hg19) VCF-style: chr17-79503908-C-A.
Other names: c.1353C>A, p.Asp451Glu (NM_001077182.3); short protein forms D427E, D451E.
Identifiers: ClinVar variation 1308294 (VCV001308294.2), dbSNP rs746458257, ClinGen allele CA8837096.

ClinVar aggregate classification (germline): Uncertain significance (1 of 4 stars; one submission).

gnomAD v4.1: 1 of 1,571,954 alleles (0.000064%); highest among the groups gnomAD compares: Non-Finnish European, 0.000086%; no homozygotes.

Submission:

GeneDx
Classification: Uncertain significance. Last evaluated: 2019-03-26. Review status: criteria provided, single submitter. Criteria: GeneDx Variant Classification Process June 2021. Collection method: clinical testing. Allele origin: germline. Affected: yes.
Comment: Not observed in large population cohorts (Lek et al., 2016); In silico analysis, which includes protein predictors and evolutionary conservation, supports that this variant does not alter protein structure/function; Has not been previously published as pathogenic or benign to our knowledge